The following is an entry in ClinVar:

ClinVar aggregate classification (germline): Uncertain significance. Review status: criteria provided, multiple submitters, no conflicts (2 of 4 stars). 2 submissions from 2 submitters: Uncertain significance (2). Last evaluated 2025-05-12.

Allele frequency attached by ClinVar (database versions not stated): gnomAD exomes below 0.00001; gnomAD 0.00001; TOPMed 0.00001; 1000 Genomes Project 30x 0.00016; 1000 Genomes Project 0.00020.
gnomAD v4.1: 3 of 1,612,868 alleles (0.00019%); highest among the groups gnomAD compares: Admixed American, 0.005%; no homozygotes.

Submissions (2):

Labcorp Genetics (formerly Invitae), Labcorp
Classification: Uncertain significance. Last evaluated: 2025-05-12. Review status: criteria provided, single submitter. Criteria: Invitae Variant Classification Sherloc (09022015). Collection method: clinical testing. Allele origin: germline.
Comment: This sequence change replaces phenylalanine, which is neutral and non-polar, with valine, which is neutral and non-polar, at codon 272 of the HMCN1 protein (p.Phe272Val). This variant is present in population databases (rs185991662, gnomAD 0.003%). This variant has not been reported in the literature in individuals affected with HMCN1-related conditions. ClinVar contains an entry for this variant (Variation ID: 2420492). An algorithm developed to predict the effect of missense changes on protein structure and function (PolyPhen-2) suggests that this variant is likely to be disruptive. In summary, the available evidence is currently insufficient to determine the role of this variant in disease. Therefore, it has been classified as a Variant of Uncertain Significance.

Ambry Genetics
Classification: Uncertain significance. Last evaluated: 2024-02-26. Review status: criteria provided, single submitter. Criteria: Ambry Variant Classification Scheme 2023. Collection method: clinical testing. Allele origin: germline.

NM_031935.3(HMCN1):c.814T>G (p.Phe272Val)

Gene: HMCN1 (hemicentin 1; plus strand). Cytogenetic location: 1q31.1.
Variant type: single nucleotide variant.
Coding change: c.814T>G on transcript NM_031935.3 (MANE Select); coding-DNA position 814, T replaced by G.
Protein change: p.Phe272Val; replaces phenylalanine 272 with valine.
Molecular consequence: missense variant.
Genome position (GRCh38, 1-based): chr1:185,911,694, T>G. VCF-style: chr1-185911694-T-G. GRCh37 (hg19) VCF-style: chr1-185880826-T-G.
Other names: c.814T>G (NM_031935.2); short protein forms F272V.
Identifiers: ClinVar variation 2420492 (VCV002420492.7), dbSNP rs185991662, ClinGen allele CA33450950.
Genomic context (GRCh38, chr1:185,911,694, plus strand): 5'-AGAAGGATTGTGCTTGTTACCTTTATGTTCTGTCTTTCAGGGAAGCTGATAAAAAAGGGA[T>G]TTGGCCTGCATGAGCTATTAAATATCCATAACTCTGCCAAAGTAGTGAATGTGAAAGAGC-3'
Protein context (NP_114141.2, residues 262-282): NPLGKLIKKG[Phe272Val]GLHELLNIHN